The following is an entry in ClinVar:

NM_001384732.1(CPLANE1):c.8237del (p.Ser2746fs)

Gene: CPLANE1 (ciliogenesis and planar polarity effector complex subunit 1; minus strand). Cytogenetic location: 5p13.2.
Variant type: Deletion.
Coding change: c.8237del on transcript NM_001384732.1 (MANE Select); coding-DNA position 8237, one base deleted (C; older notation c.8237delC).
Protein change: p.Ser2746fs; shifts the reading frame from serine 2746.
Molecular consequence: frameshift variant.
Genome position (GRCh38, 1-based): chr5:37,153,876, G deleted on the plus strand (C on the coding strand, the reverse complement: CPLANE1 is on the minus strand). VCF-style (leftmost placement, unchanged base first): chr5-37153875-AG-A. GRCh37 (hg19) VCF-style: chr5-37153977-AG-A.
Other names: c.8075del, p.Ser2692fs (NM_023073.4); short protein forms S2692fs, S2746fs.
Identifiers: ClinVar variation 4279011 (VCV004279011.1).
Genomic context (GRCh38, chr5:37,153,875, plus strand): 5'-TAGCAACTGCTCGTCAATTTTCTGAAGCTTAGCACTGAGATGCTCTAGTTGGTGAGCTGC[AG>A]AGCTTGGTGCAGGGCAAGCTGCAGAGACACCTTGCAGCCGTTTCCACAATAGATAATCTT-3'

ClinVar aggregate classification (germline): Pathogenic (1 of 4 stars; one submission).

Conditions:
Joubert syndrome 17 (JBTS17). Identifiers: Orphanet 475, MedGen C3553264, MONDO:0013824, OMIM 614615.

Submission:

Institute of Human Genetics, University of Leipzig Medical Center
Classification: Pathogenic for Joubert syndrome 17. Last evaluated: 2025-08-27. Review status: criteria provided, single submitter. Criteria: ACMG Guidelines, 2015. Collection method: clinical testing. Allele origin: inherited. Inheritance: Autosomal recessive inheritance. Affected: yes.
Comment: Criteria applied: PVS1,PM2